The following is an entry in ClinVar:

NM_001457.4(FLNB):c.6746G>T (p.Gly2249Val)

Gene: FLNB (filamin B; plus strand). Cytogenetic location: 3p14.3.
Variant type: single nucleotide variant.
Coding change: c.6746G>T on transcript NM_001457.4 (MANE Select); coding-DNA position 6746, G replaced by T.
Protein change: p.Gly2249Val; replaces glycine 2249 with valine.
Molecular consequence: missense variant.
Genome position (GRCh38, 1-based): chr3:58,154,902, G>T. VCF-style: chr3-58154902-G-T. GRCh37 (hg19) VCF-style: chr3-58140629-G-T.
Other names: c.6839G>T, p.Gly2280Val (NM_001164317.2); c.6713G>T, p.Gly2238Val (NM_001164318.2); c.6674G>T, p.Gly2225Val (NM_001164319.2); short protein forms G2225V, G2238V, G2249V, G2280V.
Identifiers: ClinVar variation 4805916 (VCV004805916.1).
Genomic context (GRCh38, chr3:58,154,902, plus strand): 5'-CTGTTGAGGGCCCCAGTAAGGCCGAGATTACATTCGATGACCATAAAAATGGGTCGTGCG[G>T]TGTATCTTATATTGCCCAAGAGCCTGGTATGTATTCAGGGTTCACAAGAGGACATTTTCC-3'
Protein context (NP_001448.2, residues 2239-2259): TFDDHKNGSC[Gly2249Val]VSYIAQEPGN

ClinVar aggregate classification (germline): Uncertain significance (1 of 4 stars; one submission).

gnomAD v4.1: 1 of 1,614,120 alleles (0.000062%); no homozygotes.

Submission:

Labcorp Genetics (formerly Invitae), Labcorp
Classification: Uncertain significance. Last evaluated: 2025-10-27. Review status: criteria provided, single submitter. Criteria: Invitae Variant Classification Sherloc (09022015). Collection method: clinical testing. Allele origin: germline.
Comment: This sequence change replaces glycine, which is neutral and non-polar, with valine, which is neutral and non-polar, at codon 2249 of the FLNB protein (p.Gly2249Val). This variant is not present in population databases (gnomAD no frequency). This variant has not been reported in the literature in individuals affected with FLNB-related conditions. Invitae Evidence Modeling of protein sequence and biophysical properties (such as structural, functional, and spatial information, amino acid conservation, physicochemical variation, residue mobility, and thermodynamic stability) indicates that this missense variant is not expected to disrupt FLNB protein function with a negative predictive value of 95%. In summary, the available evidence is currently insufficient to determine the role of this variant in disease. Therefore, it has been classified as a Variant of Uncertain Significance.